The following is an entry in ClinVar:

ClinVar aggregate classification (germline): Uncertain significance (1 of 4 stars; one submission).

Submission:

Labcorp Genetics (formerly Invitae), Labcorp
Classification: Uncertain significance. Last evaluated: 2022-10-24. Review status: criteria provided, single submitter. Criteria: Invitae Variant Classification Sherloc (09022015). Collection method: clinical testing. Allele origin: germline.
Comment: This sequence change replaces glycine, which is neutral and non-polar, with arginine, which is basic and polar, at codon 52 of the GNAS protein (p.Gly52Arg). In summary, the available evidence is currently insufficient to determine the role of this variant in disease. Therefore, it has been classified as a Variant of Uncertain Significance. This variant disrupts the p.Gly52 amino acid residue in GNAS. Other variant(s) that disrupt this residue have been determined to be pathogenic (PMID: 23884777). This suggests that this residue is clinically significant, and that variants that disrupt this residue are likely to be disease-causing. Advanced modeling of protein sequence and biophysical properties (such as structural, functional, and spatial information, amino acid conservation, physicochemical variation, residue mobility, and thermodynamic stability) performed at Invitae indicates that this missense variant is expected to disrupt GNAS protein function. This variant has not been reported in the literature in individuals affected with GNAS-related conditions. This variant is not present in population databases (gnomAD no frequency).

Literature cited by the submitters: PubMed 23884777.

NM_000516.7(GNAS):c.154G>C (p.Gly52Arg)

Gene: GNAS (GNAS complex locus; plus strand). Cytogenetic location: 20q13.32.
Variant type: single nucleotide variant.
Coding change: c.154G>C on transcript NM_000516.7 (MANE Select); coding-DNA position 154, G replaced by C.
Protein change: p.Gly52Arg; replaces glycine 52 with arginine.
Molecular consequence: missense variant. On other transcripts: 3 prime UTR variant (3), 5 prime UTR variant (2), non-coding transcript variant (2).
Genome position (GRCh38, 1-based): chr20:58,895,626, G>C. VCF-style: chr20-58895626-G-C. GRCh37 (hg19) VCF-style: chr20-57470681-G-C.
Other names: c.154G>C, p.Gly52Arg (NM_001077488.5, NM_001077489.4, NM_001309842.2 and 1 more transcripts); c.*15G>C (NM_001077490.3); c.-24G>C (NM_001309840.2, NM_001309861.2); c.*173G>C (NM_001309883.1); c.58G>C, p.Gly20Arg (NM_001410912.1); c.2083G>C, p.Gly695Arg (NM_001410913.1, NM_080425.4); c.*57G>C (NM_016592.5); short protein forms G52R, G20R, G695R.
Identifiers: ClinVar variation 2061022 (VCV002061022.4), dbSNP rs2146005656, ClinGen allele CA409449586.